The following is an entry in ClinVar:

ClinVar aggregate classification (germline): Uncertain significance (1 of 4 stars; one submission).

Conditions:
Zellweger spectrum disorders (ZS). Also called: Zellweger syndrome; Zellweger Spectrum Disorder (ZSD); Zellweger Spectrum Disorder; Zellweger Spectrum. Identifiers: Orphanet 912, MedGen C0043459, MONDO:0019609.

Allele frequency attached by ClinVar (database versions not stated): gnomAD exomes below 0.00001; TOPMed below 0.00001; gnomAD 0.00001.
gnomAD v4.1: 4 of 1,613,890 alleles (0.00025%); highest among the groups gnomAD compares: African/African-American, 0.004%; no homozygotes.

Submission:

Labcorp Genetics (formerly Invitae), Labcorp
Classification: Uncertain significance for Zellweger spectrum disorders. Last evaluated: 2021-12-23. Review status: criteria provided, single submitter. Criteria: Invitae Variant Classification Sherloc (09022015). Collection method: clinical testing. Allele origin: germline.
Comment: This sequence change replaces asparagine, which is neutral and polar, with aspartic acid, which is acidic and polar, at codon 285 of the PEX1 protein (p.Asn285Asp). This variant is not present in population databases (gnomAD no frequency). This variant has not been reported in the literature in individuals affected with PEX1-related conditions. Advanced modeling of protein sequence and biophysical properties (such as structural, functional, and spatial information, amino acid conservation, physicochemical variation, residue mobility, and thermodynamic stability) performed at Invitae indicates that this missense variant is not expected to disrupt PEX1 protein function. In summary, the available evidence is currently insufficient to determine the role of this variant in disease. Therefore, it has been classified as a Variant of Uncertain Significance.

NM_000466.3(PEX1):c.853A>G (p.Asn285Asp)

Gene: PEX1 (peroxisomal biogenesis factor 1; minus strand). Cytogenetic location: 7q21.2.
Variant type: single nucleotide variant.
Coding change: c.853A>G on transcript NM_000466.3 (MANE Select); coding-DNA position 853, A replaced by G.
Protein change: p.Asn285Asp; replaces asparagine 285 with aspartic acid.
Molecular consequence: missense variant.
Genome position (GRCh38, 1-based): chr7:92,517,662, T>C on the plus strand (A>G on the coding strand, the complement: PEX1 is on the minus strand). VCF-style: chr7-92517662-T-C. GRCh37 (hg19) VCF-style: chr7-92146976-T-C.
Other names: c.853A>G, p.Asn285Asp (NM_001282677.2); c.229A>G, p.Asn77Asp (NM_001282678.2); short protein forms N285D, N77D.
Identifiers: ClinVar variation 1495790 (VCV001495790.5), dbSNP rs1407539383, ClinGen allele CA368199412.
Genomic context (GRCh38, chr7:92,517,662, plus strand): 5'-CAGAGGTTGCTGACGCGTTATATATACTAGGAGGTTGAGATTTGCATACTCTGAAAATAT[T>C]GTCTAGAGGAACAACCTTTGACTGCATATTTTTGAATGCATTGATTTCAGTTAAACCCCA-3'
Protein context (NP_000457.1, residues 275-295): NMQSKVVPLD[Asn285Asp]IFRVCKSQPP